The following is an entry in ClinVar:

ClinVar aggregate classification (germline): Likely pathogenic (1 of 4 stars; one submission).

Conditions:
Glycine encephalopathy. Also called: Non-ketotic hyperglycinemia; Nonketotic hyperglycinemia. Identifiers: Orphanet 407, MedGen C0751748, MONDO:0011612, HP:0008288.

Allele frequency attached by ClinVar (database versions not stated): TOPMed 0.00002.
gnomAD v4.1: 3 of 1,613,882 alleles (0.00019%); highest among the groups gnomAD compares: African/African-American, 0.0027%; no homozygotes.

Submission:

Labcorp Genetics (formerly Invitae), Labcorp
Classification: Likely pathogenic for Glycine encephalopathy. Last evaluated: 2023-08-22. Review status: criteria provided, single submitter. Criteria: Invitae Variant Classification Sherloc (09022015). Collection method: clinical testing. Allele origin: germline.
Comment: In summary, the currently available evidence indicates that the variant is pathogenic, but additional data are needed to prove that conclusively. Therefore, this variant has been classified as Likely Pathogenic. Advanced modeling of protein sequence and biophysical properties (such as structural, functional, and spatial information, amino acid conservation, physicochemical variation, residue mobility, and thermodynamic stability) performed at Invitae indicates that this missense variant is expected to disrupt AMT protein function. ClinVar contains an entry for this variant (Variation ID: 1008464). This variant is not present in population databases (gnomAD no frequency). This missense change has been observed in individual(s) with AMT-related conditions (Invitae). In at least one individual the data is consistent with being in trans (on the opposite chromosome) from a pathogenic variant. This sequence change replaces serine, which is neutral and polar, with tyrosine, which is neutral and polar, at codon 353 of the AMT protein (p.Ser353Tyr).

NM_000481.4(AMT):c.1058C>A (p.Ser353Tyr)

Gene: AMT (aminomethyltransferase; minus strand). Cytogenetic location: 3p21.31.
Variant type: single nucleotide variant.
Coding change: c.1058C>A on transcript NM_000481.4 (MANE Select); coding-DNA position 1058, C replaced by A.
Protein change: p.Ser353Tyr; replaces serine 353 with tyrosine.
Molecular consequence: missense variant. On other transcripts: non-coding transcript variant (1).
Genome position (GRCh38, 1-based): chr3:49,417,694, G>T on the plus strand (C>A on the coding strand, the complement: AMT is on the minus strand). VCF-style: chr3-49417694-G-T. GRCh37 (hg19) VCF-style: chr3-49455127-G-T.
Other names: c.926C>A, p.Ser309Tyr (NM_001164710.2); c.890C>A, p.Ser297Tyr (NM_001164711.2); c.1058C>A, p.Ser353Tyr (NM_001164712.2); short protein forms S297Y, S309Y, S353Y.
Identifiers: ClinVar variation 1008464 (VCV001008464.5), dbSNP rs768293167, ClinGen allele CA352789113.